The following is an entry in ClinVar:

NM_138694.4(PKHD1):c.8428dup (p.Glu2810fs)

Gene: PKHD1 (PKHD1 ciliary IPT domain containing fibrocystin/polyductin; minus strand). Cytogenetic location: 6p12.3.
Variant type: Duplication.
Coding change: c.8428dup on transcript NM_138694.4 (MANE Select); coding-DNA position 8428, one base duplicated (G; older notation c.8428dupG).
Protein change: p.Glu2810fs; shifts the reading frame from glutamic acid 2810.
Molecular consequence: frameshift variant.
Genome position (GRCh38, 1-based): chr6:51,791,248, C duplicated on the plus strand (G on the coding strand, the reverse complement: PKHD1 is on the minus strand); the first of 4 consecutive C bases (chr6:51,791,248-51,791,251); duplicating any one gives the same sequence. VCF-style (leftmost placement, unchanged base first): chr6-51791247-T-TC. GRCh37 (hg19) VCF-style: chr6-51656045-T-TC.
Other names: c.8428dup, p.Glu2810fs (NM_170724.3); short protein forms E2810fs.
Identifiers: ClinVar variation 5012277 (VCV005012277.1).

ClinVar aggregate classification (germline): Pathogenic (1 of 4 stars; one submission).

Conditions:
Polycystic kidney disease 4 (PKD4). Also called: POLYCYSTIC KIDNEY AND HEPATIC DISEASE 1; POLYCYSTIC KIDNEY DISEASE, INFANTILE, TYPE I; POLYCYSTIC KIDNEY DISEASE 4 WITH OR WITHOUT POLYCYSTIC LIVER DISEASE; PKD3; Autosomal Recessive Polycystic Kidney Disease – PKHD1. Identifiers: MedGen C4540575, MONDO:0033004, OMIM 263200.

Submission:

Myriad Genetics, Inc.
Classification: Pathogenic for Polycystic kidney disease 4. Last evaluated: 2023-09-27. Review status: criteria provided, single submitter. Criteria: Myriad Autosomal Dominant, Autosomal Recessive and X-Linked Classification Criteria (2023). Collection method: clinical testing. Allele origin: unknown.
Comment: NM_138694.3(PKHD1):c.8428dupG(E2810Gfs*22) is expected to be pathogenic in the context of autosomal recessive polycystic kidney disease, PKHD1-related. This variant is predicted to lead to an abnormal or absent protein product due to the creation of a premature termination codon in PKHD1, a gene where loss-of-function variants are known to be pathogenic. Please note: this variant was assessed in the context of healthy population screening.